The following is an entry in ClinVar:

NM_001165963.4(SCN1A):c.4985C>T (p.Ala1662Val)

Genes: SCN1A (sodium voltage-gated channel alpha subunit 1; minus strand), LOC102724058 (uncharacterized LOC102724058; plus strand). Cytogenetic location: 2q24.3.
Variant type: single nucleotide variant.
Coding change: c.4985C>T on transcript NM_001165963.4 (MANE Select); coding-DNA position 4985, C replaced by T.
Protein change: p.Ala1662Val; replaces alanine 1662 with valine.
Molecular consequence: missense variant. On other transcripts: non-coding transcript variant (1).
Genome position (GRCh38, 1-based): chr2:165,992,290, G>A on the plus strand (C>T on the coding strand, the complement: SCN1A is on the minus strand). VCF-style: chr2-165992290-G-A. GRCh37 (hg19) VCF-style: chr2-166848800-G-A.
Other names: c.4901C>T, p.Ala1634Val (NM_001165964.3, NM_001353957.2, NM_001353958.2); c.4985C>T, p.Ala1662Val (NM_001202435.3, NM_001353948.2); c.4952C>T, p.Ala1651Val (NM_001353949.2, NM_001353950.2, NM_001353951.2 and 2 more transcripts); c.4949C>T, p.Ala1650Val (NM_001353954.2, NM_001353955.2); c.4898C>T, p.Ala1633Val (NM_001353960.2); c.2543C>T, p.Ala848Val (NM_001353961.2); short protein forms A1651V, A1662V, A1633V, A1650V, A1634V, A848V.
Identifiers: ClinVar variation 190011 (VCV000190011.6), dbSNP rs794726839, ClinGen allele CA303545.

ClinVar aggregate classification (germline): Pathogenic/Likely pathogenic. Review status: criteria provided, multiple submitters, no conflicts (2 of 4 stars). 3 submissions from 3 submitters: Pathogenic (2); Likely pathogenic (1). Last evaluated 2023-11-14.

Conditions:
Inborn genetic diseases. Identifiers: MedGen C0950123, MeSH D030342.
Severe myoclonic epilepsy in infancy (DRVT). Also called: Epileptic encephalopathy, early infantile, 6 (Dravet syndrome); SEVERE MYOCLONIC EPILEPSY OF INFANCY; DEVELOPMENTAL AND EPILEPTIC ENCEPHALOPATHY 6A; Severe Myoclonic Epilepsy in Infancy (SMEI); Dravet syndrome. Identifiers: Orphanet 33069, MedGen C0751122, MONDO:0100135, OMIM 607208.

Submissions (3):

GeneDx
Classification: Likely pathogenic. Last evaluated: 2023-11-14. Review status: criteria provided, single submitter. Criteria: GeneDx Variant Classification Process June 2021. Collection method: clinical testing. Allele origin: germline. Affected: yes.
Comment: Not observed at significant frequency in large population cohorts (gnomAD); Missense variants in this gene are often considered pathogenic (HGMD); In silico analysis supports that this missense variant has a deleterious effect on protein structure/function; This substitution is predicted to be within the intracellular loop between the S4 and S5 transmembrane segments of the fourth homologous domain.; Identified in patients with epilepsy in published literature (PMID: 23195492, 34568804); This variant is associated with the following publications: (PMID: 26096185, 23195492, 34568804)

Ambry Genetics
Classification: Pathogenic for Inborn genetic diseases. Last evaluated: 2016-07-07. Review status: criteria provided, single submitter. Criteria: Ambry Variant Classification Scheme 2023. Collection method: clinical testing. Allele origin: germline.
Comment: The p.A1662V pathogenic mutation (also known as c.4985C>T), located in coding exon 26 of the SCN1A gene, results from a C to T substitution at nucleotide position 4985. The alanine at codon 1662 is replaced by valine, an amino acid with similar properties. This alteration has been identified in a patient with severe myoclonic epilepsy borderline (Wang JW et al. Epilepsy Res., 2012 Dec;102:195-200). In addition, this alteration was reportedly de novo in a patient with febrile seizures as an infant and myoclonic seizures later in life (Xu X et al. Hum. Mutat., 2015 Sep;36:861-72). Based on the available evidence, this variant is classified as a pathogenic mutation.

Center for Bioinformatics, Peking University
Classification: Pathogenic for Dravet syndrome. Last evaluated: 2014-12-20. Review status: criteria provided, single submitter. Criteria: Xu et al. (Hum Mutat. 2015). Collection method: research. Allele origin: de novo. Affected: yes. Observed: 1 variant allele. Study: University Clinical Cooperation “985 Project” PKU-2014-1-1.
Comment: Dravet syndrome (DS) probands were recruited from the outpatient and inpatient child neurology units of Peking University First Hospital from 2005 till present. The study was approved by the Ethics Committee of Peking University First Hospital and the Institutional Review Board at Peking University. Participants or their parents provided written informed consent before enrollment. We collected a total of 267 mutations from 255 families with probands diagnosed with DS in China. All probands fulfilled the clinical diagnostic criteria.

Literature cited by the submitters: PubMed 23195492 (cited by Ambry Genetics); PubMed 26096185 (cited by Ambry Genetics).